The following is an entry in ClinVar:

ClinVar aggregate classification (germline): Pathogenic. Review status: criteria provided, multiple submitters, no conflicts (2 of 4 stars). 4 submissions from 4 submitters: Pathogenic (3). 1 of the submissions does not count toward it. Last evaluated 2023-07-11.

Conditions:
Currarino triad. Identifiers: Orphanet 1552, MedGen C1531773, MONDO:0008305, OMIM 176450.

Submissions (4):

GeneDx
Classification: Pathogenic. Last evaluated: 2023-07-11. Review status: criteria provided, single submitter. Criteria: GeneDx Variant Classification Process June 2021. Collection method: clinical testing. Allele origin: germline. Affected: yes.
Comment: Frameshift variant predicted to result in protein truncation or nonsense mediated decay in a gene for which loss of function is a known mechanism of disease; This variant is associated with the following publications: (PMID: 24095820, 11528505, 10749657, 9843207)

Labcorp Genetics (formerly Invitae), Labcorp
Classification: Pathogenic. Last evaluated: 2023-02-14. Review status: criteria provided, single submitter. Criteria: Invitae Variant Classification Sherloc (09022015). Collection method: clinical testing. Allele origin: germline.
Comment: This sequence change creates a premature translational stop signal (p.Arg19Thrfs*37) in the MNX1 gene. It is expected to result in an absent or disrupted protein product. Loss-of-function variants in MNX1 are known to be pathogenic (PMID: 10631160, 10749657, 16254195, 24095820). The frequency data for this variant in the population databases is considered unreliable, as metrics indicate poor data quality at this position in the gnomAD database. This premature translational stop signal has been observed in individual(s) with Currarino syndrome (PMID: 24095820). This variant is also known as p.Pro18ProfsX37. ClinVar contains an entry for this variant (Variation ID: 435883). For these reasons, this variant has been classified as Pathogenic.

Genetic Services Laboratory, University of Chicago
Classification: Pathogenic for Currarino syndrome. Last evaluated: 2017-03-31. Review status: criteria provided, single submitter. Criteria: ACMG Guidelines, 2015. Collection method: clinical testing. Allele origin: germline. Affected: yes.

OMIM
Classification: Pathogenic for CURRARINO SYNDROME. Last evaluated: 2001-08-01. Review status: no assertion criteria provided. Collection method: literature only. Allele origin: germline. Not counted in ClinVar's aggregate classification.

Literature cited by the submitters: PubMed 10631160 (cited by Labcorp Genetics (formerly Invitae), Labcorp); PubMed 10749657 (cited by Labcorp Genetics (formerly Invitae), Labcorp and OMIM); PubMed 16254195 (cited by Labcorp Genetics (formerly Invitae), Labcorp); PubMed 24095820 (cited by Labcorp Genetics (formerly Invitae), Labcorp); PubMed 9843207 (cited by OMIM); PubMed 11528505 (cited by OMIM).

NM_005515.4(MNX1):c.53dup (p.Arg19fs)

Gene: MNX1 (motor neuron and pancreas homeobox 1; minus strand). Cytogenetic location: 7q36.3.
Variant type: Duplication.
Coding change: c.53dup on transcript NM_005515.4 (MANE Select); coding-DNA position 53, one base duplicated (C; older notation c.53dupC).
Protein change: p.Arg19fs; shifts the reading frame from arginine 19.
Molecular consequence: frameshift variant.
Genome position (GRCh38, 1-based): chr7:157,010,298, G duplicated on the plus strand (C on the coding strand, the reverse complement: MNX1 is on the minus strand); the first of 6 consecutive G bases (chr7:157,010,298-157,010,303); duplicating any one gives the same sequence. VCF-style (leftmost placement, unchanged base first): chr7-157010297-T-TG. GRCh37 (hg19) VCF-style: chr7-156802991-T-TG.
Other names: short protein forms R19fs.
Identifiers: ClinVar variation 435883 (VCV000435883.11), dbSNP rs1554594329, ClinGen allele CA579080002.
Genomic context (GRCh38, chr7:157,010,297, plus strand): 5'-TGCGGCGGCGGCGAGCGACGTGACCAAGGCCAGCGGCGCGCTCTGCGCAGAGGCGGCTCG[T>TG]GGGGGGTCCACCGCCAGCAGGGCGTCGATGCGGAAATTTTTGGATTTTTCCATCGGCTCG-3'